The following is an entry in ClinVar:

NM_152703.5(SAMD9L):c.3775A>G (p.Asn1259Asp)

Gene: SAMD9L (sterile alpha motif domain containing 9 like; minus strand). Cytogenetic location: 7q21.2.
Variant type: single nucleotide variant.
Coding change: c.3775A>G on transcript NM_152703.5 (MANE Select); coding-DNA position 3775, A replaced by G.
Protein change: p.Asn1259Asp; replaces asparagine 1259 with aspartic acid.
Molecular consequence: missense variant.
Genome position (GRCh38, 1-based): chr7:93,132,197, T>C on the plus strand (A>G on the coding strand, the complement: SAMD9L is on the minus strand). VCF-style: chr7-93132197-T-C. GRCh37 (hg19) VCF-style: chr7-92761510-T-C.
Other names: c.3775A>G, p.Asn1259Asp (NM_001303496.3, NM_001303497.3, NM_001303498.3 and 5 more transcripts); short protein forms N1259D.
Identifiers: ClinVar variation 3950013 (VCV003950013.1).

ClinVar aggregate classification (germline): Uncertain significance (1 of 4 stars; one submission).

Conditions:
Inborn genetic diseases. Identifiers: MedGen C0950123, MeSH D030342.

gnomAD v4.1: 1 of 1,613,734 alleles (0.000062%); highest among the groups gnomAD compares: Non-Finnish European, 0.000085%; no homozygotes.

Submission:

Ambry Genetics
Classification: Uncertain significance for Inborn genetic diseases. Last evaluated: 2025-06-12. Review status: criteria provided, single submitter. Criteria: Ambry Variant Classification Scheme 2023. Collection method: clinical testing. Allele origin: germline.
Comment: The p.N1259D variant (also known as c.3775A>G), located in coding exon 1 of the SAMD9L gene, results from an A to G substitution at nucleotide position 3775. The asparagine at codon 1259 is replaced by aspartic acid, an amino acid with highly similar properties. This amino acid position is conserved. In addition, this alteration is predicted to be tolerated by in silico analysis. Based on the available evidence, the clinical significance of this variant remains unclear.